The following is an entry in ClinVar:

NM_001061.7(TBXAS1):c.183+3A>G

Gene: TBXAS1 (thromboxane A synthase 1; plus strand). Cytogenetic location: 7q34.
Variant type: single nucleotide variant.
Coding change: c.183+3A>G on transcript NM_001061.7 (MANE Select); 3 bases into the intron after coding-DNA position 183, A replaced by G.
Molecular consequence: intron variant.
Genome position (GRCh38, 1-based): chr7:139,872,331, A>G. VCF-style: chr7-139872331-A-G. GRCh37 (hg19) VCF-style: chr7-139572130-A-G.
Other names: c.183+3A>G (NM_001130966.5, NM_001166253.4, NM_030984.6 and 1 more transcripts); c.-19+3A>G (NM_001166254.4); c.97+3A>G (NM_001314028.4, NM_001366537.3).
Identifiers: ClinVar variation 1382815 (VCV001382815.3), dbSNP rs753166744, ClinGen allele CA4511484.

ClinVar aggregate classification (germline): Uncertain significance (1 of 4 stars; one submission).

Allele frequency attached by ClinVar (database versions not stated): gnomAD exomes 0.00001 and 0.00004; TOPMed 0.00001; ExAC 0.00002; gnomAD 0.00003.
gnomAD v4.1: 19 of 1,613,234 alleles (0.0012%); highest among the groups gnomAD compares: Admixed American, 0.02%; no homozygotes.

Submission:

Labcorp Genetics (formerly Invitae), Labcorp
Classification: Uncertain significance. Last evaluated: 2021-07-13. Review status: criteria provided, single submitter. Criteria: Invitae Variant Classification Sherloc (09022015). Collection method: clinical testing. Allele origin: germline.
Comment: This sequence change falls in intron 2 of the TBXAS1 gene. It does not directly change the encoded amino acid sequence of the TBXAS1 protein. It affects a nucleotide within the consensus splice site of the intron. This variant is present in population databases (rs753166744, ExAC 0.01%). This variant has not been reported in the literature in individuals affected with TBXAS1-related conditions. Nucleotide substitutions within the consensus splice site are a relatively common cause of aberrant splicing (PMID: 17576681, 9536098). Algorithms developed to predict the effect of sequence changes on RNA splicing suggest that this variant is not likely to affect RNA splicing. In summary, the available evidence is currently insufficient to determine the role of this variant in disease. Therefore, it has been classified as a Variant of Uncertain Significance.

Literature cited by the submitters: PubMed 17576681; PubMed 9536098.